The following is an entry in ClinVar:

ClinVar aggregate classification (germline): Benign/Likely benign. Review status: criteria provided, multiple submitters, no conflicts (2 of 4 stars). 3 submissions from 3 submitters: Benign (2); Likely benign (1). Last evaluated 2025-04-24.

Conditions:
Hereditary cancer-predisposing syndrome. Also called: Hereditary neoplastic syndrome; Hereditary Cancer Syndrome; Neoplastic Syndromes, Hereditary; Tumor predisposition. Identifiers: Orphanet 140162, MedGen C0027672, MeSH D009386, MONDO:0015356.
Tuberous sclerosis 1 (TSC1). Identifiers: Orphanet 805, MedGen C1854465, MONDO:0008612, OMIM 191100.

Allele frequency attached by ClinVar (database versions not stated): gnomAD exomes below 0.00001.
gnomAD v4.1: 1 of 1,612,558 alleles (0.000062%); highest among the groups gnomAD compares: African/African-American, 0.0013%; no homozygotes.

Submissions (3):

Myriad Genetics, Inc.
Classification: Benign for Tuberous sclerosis 1. Last evaluated: 2025-04-24. Review status: criteria provided, single submitter. Criteria: Myriad Autosomal Dominant, Autosomal Recessive and X-Linked Classification Criteria (2023). Collection method: clinical testing. Allele origin: unknown.
Comment: This variant is considered benign. This variant is a silent/synonymous amino acid change and it is not expected to impact splicing.

Ambry Genetics
Classification: Likely benign for Hereditary cancer-predisposing syndrome. Last evaluated: 2025-03-15. Review status: criteria provided, single submitter. Criteria: Ambry Variant Classification Scheme 2023. Collection method: clinical testing. Allele origin: germline.

Labcorp Genetics (formerly Invitae), Labcorp
Classification: Benign for Tuberous sclerosis 1. Last evaluated: 2023-07-22. Review status: criteria provided, single submitter. Criteria: Invitae Variant Classification Sherloc (09022015). Collection method: clinical testing. Allele origin: germline.

NM_000368.5(TSC1):c.2187G>A (p.Leu729=)

Gene: TSC1 (TSC complex subunit 1; minus strand). Cytogenetic location: 9q34.13.
Variant type: single nucleotide variant.
Coding change: c.2187G>A on transcript NM_000368.5 (MANE Select); coding-DNA position 2187, G replaced by A.
Protein change: p.Leu729=; no amino-acid change (leucine 729 retained).
Molecular consequence: synonymous variant. On other transcripts: non-coding transcript variant (4).
Genome position (GRCh38, 1-based): chr9:132,903,672, C>T on the plus strand (G>A on the coding strand, the complement: TSC1 is on the minus strand). VCF-style: chr9-132903672-C-T. GRCh37 (hg19) VCF-style: chr9-135779059-C-T.
Other names: c.2187G>A, p.Leu729= (NM_001406595.1, NM_001406596.1, NM_001406605.1 and 5 more transcripts); c.2184G>A, p.Leu728= (NM_001406597.1, NM_001406598.1, NM_001406599.1 and 4 more transcripts); c.2172G>A, p.Leu724= (NM_001406601.1, NM_001406602.1); c.2169G>A, p.Leu723= (NM_001406603.1, NM_001406604.1); c.2034G>A, p.Leu678= (NM_001406610.1, NM_001162427.2); c.2031G>A, p.Leu677= (NM_001406611.1, NM_001406612.1, NM_001406613.1); c.1824G>A, p.Leu608= (NM_001362177.2, NM_001406614.1, NM_001406615.1 and 5 more transcripts); c.1821G>A, p.Leu607= (NM_001406620.1, NM_001406621.1, NM_001406622.1 and 2 more transcripts); and 3 more.
Identifiers: ClinVar variation 3015243 (VCV003015243.5), dbSNP rs1458137414, ClinGen allele CA467590659.